The following is an entry in ClinVar:

ClinVar aggregate classification (germline): Uncertain significance. Review status: criteria provided, multiple submitters, no conflicts (2 of 4 stars). 3 submissions from 3 submitters: Uncertain significance (3). Last evaluated 2025-09-25.

Conditions:
Inborn genetic diseases. Identifiers: MedGen C0950123, MeSH D030342.

Allele frequency attached by ClinVar (database versions not stated): ExAC 0.00002; TOPMed 0.00002; gnomAD 0.00003.
gnomAD v4.1: 24 of 1,613,790 alleles (0.0015%); highest among the groups gnomAD compares: Admixed American, 0.015%; no homozygotes.

Submissions (3):

Ambry Genetics
Classification: Uncertain significance for Inborn genetic diseases. Last evaluated: 2025-09-25. Review status: criteria provided, single submitter. Criteria: Ambry Variant Classification Scheme 2023. Collection method: clinical testing. Allele origin: germline.

Labcorp Genetics (formerly Invitae), Labcorp
Classification: Uncertain significance. Last evaluated: 2025-09-16. Review status: criteria provided, single submitter. Criteria: Invitae Variant Classification Sherloc (09022015). Collection method: clinical testing. Allele origin: germline.
Comment: This sequence change replaces alanine, which is neutral and non-polar, with threonine, which is neutral and polar, at codon 440 of the HDAC4 protein (p.Ala440Thr). This variant is present in population databases (rs770769407, gnomAD 0.02%). This variant has not been reported in the literature in individuals affected with HDAC4-related conditions. ClinVar contains an entry for this variant (Variation ID: 2580058). Invitae Evidence Modeling of protein sequence and biophysical properties (such as structural, functional, and spatial information, amino acid conservation, physicochemical variation, residue mobility, and thermodynamic stability) indicates that this missense variant is not expected to disrupt HDAC4 protein function with a negative predictive value of 80%. In summary, the available evidence is currently insufficient to determine the role of this variant in disease. Therefore, it has been classified as a Variant of Uncertain Significance.

GeneDx
Classification: Uncertain significance. Last evaluated: 2023-03-15. Review status: criteria provided, single submitter. Criteria: GeneDx Variant Classification Process June 2021. Collection method: clinical testing. Allele origin: germline. Affected: yes.
Comment: In silico analysis supports that this missense variant does not alter protein structure/function; Has not been previously published as pathogenic or benign to our knowledge

NM_001378414.1(HDAC4):c.1333G>A (p.Ala445Thr)

Gene: HDAC4 (histone deacetylase 4; minus strand). Cytogenetic location: 2q37.3.
Variant type: single nucleotide variant.
Coding change: c.1333G>A on transcript NM_001378414.1 (MANE Select); coding-DNA position 1333, G replaced by A.
Protein change: p.Ala445Thr; replaces alanine 445 with threonine.
Molecular consequence: missense variant.
Genome position (GRCh38, 1-based): chr2:239,126,656, C>T on the plus strand (G>A on the coding strand, the complement: HDAC4 is on the minus strand). VCF-style: chr2-239126656-C-T. GRCh37 (hg19) VCF-style: chr2-240048352-C-T.
Other names: c.1333G>A, p.Ala445Thr (NM_001378415.1); c.1318G>A, p.Ala440Thr (NM_001378416.1, NM_001378417.1, NM_006037.4); short protein forms A440T, A445T.
Identifiers: ClinVar variation 2580058 (VCV002580058.3), dbSNP rs770769407, ClinGen allele CA2199832.